The following is an entry in ClinVar:

NM_001005273.3(CHD3):c.3977A>T (p.Tyr1326Phe)

Gene: CHD3 (chromodomain helicase DNA binding protein 3; plus strand). Cytogenetic location: 17p13.1.
Variant type: single nucleotide variant.
Coding change: c.3977A>T on transcript NM_001005273.3 (MANE Select); coding-DNA position 3977, A replaced by T.
Protein change: p.Tyr1326Phe; replaces tyrosine 1326 with phenylalanine.
Molecular consequence: missense variant.
Genome position (GRCh38, 1-based): chr17:7,904,524, A>T. VCF-style: chr17-7904524-A-T. GRCh37 (hg19) VCF-style: chr17-7807842-A-T.
Other names: c.3977A>T, p.Tyr1326Phe (NM_005852.4); c.4154A>T, p.Tyr1385Phe (NM_001005271.3, NM_001437504.1); c.4142A>T, p.Tyr1381Phe (NM_001437507.1, NM_001437508.1, NM_001437509.1); short protein forms Y1326F, Y1381F, Y1385F.
Identifiers: ClinVar variation 5037323 (VCV005037323.1).
Genomic context (GRCh38, chr17:7,904,524, plus strand): 5'-TCATCAAGCAGGAGGAGAATGTGGACCCTGACTACTGGGAGAAGCTGCTGAGGCATCACT[A>T]TGAGCAACAGCAGGAAGACCTAGCCCGGAATCTAGGCAAGGGCAAGCGGGTTCGCAAGCA-3'
Protein context (NP_001005273.1, residues 1316-1336): DYWEKLLRHH[Tyr1326Phe]EQQQEDLARN

ClinVar aggregate classification (germline): Uncertain significance (1 of 4 stars; one submission).

gnomAD v4.1: 7 of 1,614,114 alleles (0.00043%); highest among the groups gnomAD compares: East Asian, 0.013%; no homozygotes.

Submission:

GeneDx
Classification: Uncertain significance. Last evaluated: 2026-04-20. Review status: criteria provided, single submitter. Criteria: GeneDx Variant Classification Process June 2021. Collection method: clinical testing. Allele origin: germline.
Comment: Not observed at significant frequency in large population cohorts (gnomAD); In silico analysis supports that this missense variant has a deleterious effect on protein structure/function; Has not been previously published as pathogenic or benign to our knowledge